The following is an entry in ClinVar:

ClinVar aggregate classification (germline): Uncertain significance (1 of 4 stars; one submission).

Conditions:
Congenital contractural arachnodactyly (CCA). Also called: BEALS SYNDROME; Beals-Hecht syndrome; Arthrogryposis, distal, type 9. Identifiers: Orphanet 115, MedGen C0220668, MONDO:0007363, OMIM 121050.

Allele frequency attached by ClinVar (database versions not stated): TOPMed below 0.00001; gnomAD 0.00001; gnomAD exomes 0.00001.

Submission:

Labcorp Genetics (formerly Invitae), Labcorp
Classification: Uncertain significance for Congenital contractural arachnodactyly. Last evaluated: 2022-02-23. Review status: criteria provided, single submitter. Criteria: Invitae Variant Classification Sherloc (09022015). Collection method: clinical testing. Allele origin: germline.
Comment: ClinVar contains an entry for this variant (Variation ID: 853503). In summary, the available evidence is currently insufficient to determine the role of this variant in disease. Therefore, it has been classified as a Variant of Uncertain Significance. Advanced modeling of protein sequence and biophysical properties (such as structural, functional, and spatial information, amino acid conservation, physicochemical variation, residue mobility, and thermodynamic stability) performed at Invitae indicates that this missense variant is not expected to disrupt FBN2 protein function. This variant has not been reported in the literature in individuals affected with FBN2-related conditions. This variant is not present in population databases (gnomAD no frequency). This sequence change replaces lysine, which is basic and polar, with arginine, which is basic and polar, at codon 102 of the FBN2 protein (p.Lys102Arg).

NM_001999.4(FBN2):c.305A>G (p.Lys102Arg)

Gene: FBN2 (fibrillin 2; minus strand). Cytogenetic location: 5q23.3.
Variant type: single nucleotide variant.
Coding change: c.305A>G on transcript NM_001999.4 (MANE Select); coding-DNA position 305, A replaced by G.
Protein change: p.Lys102Arg; replaces lysine 102 with arginine.
Molecular consequence: missense variant.
Genome position (GRCh38, 1-based): chr5:128,536,434, T>C on the plus strand (A>G on the coding strand, the complement: FBN2 is on the minus strand). VCF-style: chr5-128536434-T-C. GRCh37 (hg19) VCF-style: chr5-127872127-T-C.
Other names: short protein forms K102R.
Identifiers: ClinVar variation 853503 (VCV000853503.10), dbSNP rs1756848859, ClinGen allele CA360761359.